The following is an entry in ClinVar:

ClinVar aggregate classification (germline): Uncertain significance (1 of 4 stars; one submission).

Conditions:
Severe combined immunodeficiency due to CORO1A deficiency. Also called: IMMUNODEFICIENCY 8 WITH LYMPHOPROLIFERATION; Immunodeficiency 8. Identifiers: Orphanet 228003, MedGen C3809383, MONDO:0014168, OMIM 615401.

Allele frequency attached by ClinVar (database versions not stated): ExAC 0.00001; gnomAD 0.00001; gnomAD exomes 0.00002; TOPMed 0.00002.
gnomAD v4.1: 32 of 1,612,994 alleles (0.002%); highest among the groups gnomAD compares: East Asian, 0.013%; no homozygotes.

Submission:

Labcorp Genetics (formerly Invitae), Labcorp
Classification: Uncertain significance for Severe combined immunodeficiency due to CORO1A deficiency. Last evaluated: 2025-12-17. Review status: criteria provided, single submitter. Criteria: Invitae Variant Classification Sherloc (09022015). Collection method: clinical testing. Allele origin: germline.
Comment: This sequence change replaces valine, which is neutral and non-polar, with isoleucine, which is neutral and non-polar, at codon 96 of the CORO1A protein (p.Val96Ile). This variant is present in population databases (rs756845489, gnomAD 0.01%). This variant has not been reported in the literature in individuals affected with CORO1A-related conditions. ClinVar contains an entry for this variant (Variation ID: 965382). Invitae Evidence Modeling of protein sequence and biophysical properties (such as structural, functional, and spatial information, amino acid conservation, physicochemical variation, residue mobility, and thermodynamic stability) indicates that this missense variant is not expected to disrupt CORO1A protein function with a negative predictive value of 80%. In summary, the available evidence is currently insufficient to determine the role of this variant in disease. Therefore, it has been classified as a Variant of Uncertain Significance.

NM_007074.4(CORO1A):c.286G>A (p.Val96Ile)

Gene: CORO1A (coronin 1A; plus strand). Cytogenetic location: 16p11.2.
Variant type: single nucleotide variant.
Coding change: c.286G>A on transcript NM_007074.4 (MANE Select); coding-DNA position 286, G replaced by A.
Protein change: p.Val96Ile; replaces valine 96 with isoleucine.
Molecular consequence: missense variant.
Genome position (GRCh38, 1-based): chr16:30,186,685, G>A. VCF-style: chr16-30186685-G-A. GRCh37 (hg19) VCF-style: chr16-30198006-G-A.
Other names: c.286G>A, p.Val96Ile (NM_001193333.3); short protein forms V96I.
Identifiers: ClinVar variation 965382 (VCV000965382.7), dbSNP rs756845489, ClinGen allele CA8003076.